The following is an entry in ClinVar:

NM_000209.4(PDX1):c.386_387delinsGT (p.Ala129Gly)

Gene: PDX1 (pancreatic and duodenal homeobox 1; plus strand). Cytogenetic location: 13q12.2.
Variant type: Indel.
Coding change: c.386_387delinsGT on transcript NM_000209.4 (MANE Select); coding-DNA positions 386 to 387, CG replaced by GT.
Protein change: p.Ala129Gly; replaces alanine 129 with glycine.
Molecular consequence: missense variant.
Genome position (GRCh38, 1-based): chr13:27,920,524-27,920,525, CG replaced by GT. VCF-style: chr13-27920524-CG-GT. GRCh37 (hg19) VCF-style: chr13-28494661-CG-GT.
Other names: short protein forms A129G.
Identifiers: ClinVar variation 3623444 (VCV003623444.2).

ClinVar aggregate classification (germline): Uncertain significance (1 of 4 stars; one submission).

Submission:

Labcorp Genetics (formerly Invitae), Labcorp
Classification: Uncertain significance. Last evaluated: 2025-01-05. Review status: criteria provided, single submitter. Criteria: Invitae Variant Classification Sherloc (09022015). Collection method: clinical testing. Allele origin: germline.
Comment: This sequence change replaces alanine, which is neutral and non-polar, with glycine, which is neutral and non-polar, at codon 129 of the PDX1 protein (p.Ala129Gly). Information on the frequency of this variant in the gnomAD database is not available, as this variant may be reported differently in the database. This variant has not been reported in the literature in individuals affected with PDX1-related conditions. An algorithm developed to predict the effect of missense changes on protein structure and function (PolyPhen-2) suggests that this variant is likely to be disruptive. In summary, the available evidence is currently insufficient to determine the role of this variant in disease. Therefore, it has been classified as a Variant of Uncertain Significance.